The following is an entry in ClinVar:

ClinVar aggregate classification (germline): Benign/Likely benign. Review status: criteria provided, multiple submitters, no conflicts (2 of 4 stars). 6 submissions from 6 submitters: Benign (2); Likely benign (3). 1 of the submissions does not count toward it. Last evaluated 2026-02-13.

Conditions:
Inborn genetic diseases. Identifiers: MedGen C0950123, MeSH D030342.
Cohen syndrome (COH1). Also called: PEPPER SYNDROME; Cutis verticis gyrata, retinitis pigmentosa, and sensorineural deafness. Identifiers: Orphanet 193, MedGen C0265223, MONDO:0008999, OMIM 216550.

Allele frequency attached by ClinVar (database versions not stated): gnomAD exomes 0.00066 and 0.00168; ExAC 0.00220; 1000 Genomes Project 30x 0.00437; 1000 Genomes Project 0.00519; gnomAD 0.00688 and 0.00760; TOPMed 0.00783; ESP Exome Variant Server 0.00938.
gnomAD v4.1: 2,027 of 1,613,874 alleles (0.13%); highest among the groups gnomAD compares: African/African-American, 2.5%; 22 homozygotes.

Submissions (6):

Women's Health and Genetics/Laboratory Corporation of America, LabCorp
Classification: Likely benign. Last evaluated: 2026-02-13. Review status: criteria provided, single submitter. Criteria: LabCorp Variant Classification Summary - May 2015. Collection method: clinical testing. Allele origin: germline.
Comment: Variant summary: VPS13B c.3413C>T (p.Pro1138Leu) results in a non-conservative amino acid change in the encoded protein sequence. Algorithms developed to predict the effect of missense changes on protein structure and function are either unavailable or do not agree on the potential impact of this missense change. The variant allele was found at a frequency of 0.0017 in 251182 control chromosomes, predominantly at a frequency of 0.025 within the African or African-American subpopulation in the gnomAD database, including 6 homozygotes. The observed variant frequency within African or African-American control individuals in the gnomAD database exceeds the estimated maximal expected allele frequency for disease-causing variants in VPS13B. To our knowledge, no occurrence of c.3413C>T in individuals affected with VPS13B-related conditions and no experimental evidence demonstrating its impact on protein function have been reported. ClinVar contains an entry for this variant (Variation ID: 528857). Based on the evidence outlined above, the variant was classified as likely benign.

Labcorp Genetics (formerly Invitae), Labcorp
Classification: Benign for Cohen syndrome. Last evaluated: 2026-02-02. Review status: criteria provided, single submitter. Criteria: Invitae Variant Classification Sherloc (09022015). Collection method: clinical testing. Allele origin: germline.

Mayo Clinic Laboratories, Mayo Clinic
Classification: Benign. Last evaluated: 2024-08-15. Review status: criteria provided, single submitter. Criteria: ACMG Guidelines, 2015. Collection method: clinical testing. Allele origin: germline. Observed: 9 variant alleles.
Comment: BS1, BS2

Ambry Genetics
Classification: Likely benign for Inborn genetic diseases. Last evaluated: 2018-07-30. Review status: criteria provided, single submitter. Criteria: Ambry Variant Classification Scheme 2023. Collection method: clinical testing. Allele origin: germline.

Breakthrough Genomics
Classification: Likely benign. Review status: criteria provided, single submitter. Criteria: ACMG Guidelines, 2015. Collection method: not provided. Allele origin: germline. Inheritance: Autosomal recessive inheritance. Affected: yes.

Natera, Inc.
Classification: Benign for Cohen syndrome. Last evaluated: 2019-12-06. Review status: no assertion criteria provided. Collection method: clinical testing. Allele origin: germline. Not counted in ClinVar's aggregate classification.

NM_152564.5(VPS13B):c.3413C>T (p.Pro1138Leu)

Gene: VPS13B (vacuolar protein sorting 13 homolog B; plus strand). Cytogenetic location: 8q22.2.
Variant type: single nucleotide variant.
Coding change: c.3413C>T on transcript NM_152564.5 (MANE Select); coding-DNA position 3413, C replaced by T.
Protein change: p.Pro1138Leu; replaces proline 1138 with leucine.
Molecular consequence: missense variant.
Genome position (GRCh38, 1-based): chr8:99,442,603, C>T. VCF-style: chr8-99442603-C-T. GRCh37 (hg19) VCF-style: chr8-100454831-C-T.
Other names: p.Pro1138Leu; c.3413C>T, p.Pro1138Leu (NM_017890.5); short protein forms P1138L.
Identifiers: ClinVar variation 528857 (VCV000528857.60), dbSNP rs35342235, ClinGen allele CA4823241.
Genomic context (GRCh38, chr8:99,442,603, plus strand): 5'-TGCCTCAAATAAAGATTATTAGTGCTGGGCACAAGTATATGGAACCTCTGCAGGAGATTC[C>T]ATTTGTTATCCCACGACCCATCCTTGAAGAAGGTATATGTTAACATTTTTTTCCTATGGT-3'
Protein context (NP_689777.3, residues 1128-1148): HKYMEPLQEI[Pro1138Leu]FVIPRPILEE